The following is an entry in ClinVar:

NM_002661.5(PLCG2):c.3559C>T (p.Arg1187Trp)

Gene: PLCG2 (phospholipase C gamma 2; plus strand). Cytogenetic location: 16q23.3.
Variant type: single nucleotide variant.
Coding change: c.3559C>T on transcript NM_002661.5 (MANE Select); coding-DNA position 3559, C replaced by T.
Protein change: p.Arg1187Trp; replaces arginine 1187 with tryptophan.
Molecular consequence: missense variant.
Genome position (GRCh38, 1-based): chr16:81,946,252, C>T. VCF-style: chr16-81946252-C-T. GRCh37 (hg19) VCF-style: chr16-81979857-C-T.
Other names: short protein forms R1187W.
Identifiers: ClinVar variation 2112295 (VCV002112295.4), dbSNP rs764693069, ClinGen allele CA396909945.

ClinVar aggregate classification (germline): Uncertain significance (1 of 4 stars; one submission).

Conditions:
Familial cold autoinflammatory syndrome 3 (FCAS3). Also called: FAMILIAL ATYPICAL COLD URTICARIA; ANTIBODY DEFICIENCY AND IMMUNE DYSREGULATION, PLCG2-ASSOCIATED. Identifiers: Orphanet 300359, MedGen C3280914, MONDO:0013766, OMIM 614468.

Allele frequency attached by ClinVar (database versions not stated): gnomAD 0.00001.
gnomAD v4.1: 4 of 1,612,584 alleles (0.00025%); highest among the groups gnomAD compares: African/African-American, 0.0013%; no homozygotes.

Submission:

Labcorp Genetics (formerly Invitae), Labcorp
Classification: Uncertain significance for Familial cold autoinflammatory syndrome 3. Last evaluated: 2022-07-01. Review status: criteria provided, single submitter. Criteria: Invitae Variant Classification Sherloc (09022015). Collection method: clinical testing. Allele origin: germline.
Comment: In summary, the available evidence is currently insufficient to determine the role of this variant in disease. Therefore, it has been classified as a Variant of Uncertain Significance. Algorithms developed to predict the effect of missense changes on protein structure and function are either unavailable or do not agree on the potential impact of this missense change (SIFT: "Deleterious"; PolyPhen-2: "Possibly Damaging"; Align-GVGD: "Class C0"). This variant has not been reported in the literature in individuals affected with PLCG2-related conditions. The frequency data for this variant in the population databases is considered unreliable, as metrics indicate poor data quality at this position in the gnomAD database. This sequence change replaces arginine, which is basic and polar, with tryptophan, which is neutral and slightly polar, at codon 1187 of the PLCG2 protein (p.Arg1187Trp).